The following is an entry in ClinVar:

NM_013314.4(BLNK):c.677-31T>C

Gene: BLNK (B cell linker; minus strand). Cytogenetic location: 10q24.1.
Variant type: single nucleotide variant.
Coding change: c.677-31T>C on transcript NM_013314.4 (MANE Select); 31 bases into the intron before coding-DNA position 677, T replaced by C.
Molecular consequence: intron variant.
Genome position (GRCh38, 1-based): chr10:96,209,938, A>G on the plus strand (T>C on the coding strand, the complement: BLNK is on the minus strand). VCF-style: chr10-96209938-A-G. GRCh37 (hg19) VCF-style: chr10-97969694-A-G.
Other names: c.362-31T>C (NM_001258442.2); c.608-31T>C (NM_001258441.2, NM_001114094.2); c.677-31T>C (NM_001258440.2).
Identifiers: ClinVar variation 1240501 (VCV001240501.5), dbSNP rs2290714, ClinGen allele CA5623365.

ClinVar aggregate classification (germline): Benign. Review status: criteria provided, multiple submitters, no conflicts (2 of 4 stars). 3 submissions from 3 submitters: Benign (3). Last evaluated 2024-01-24.

Allele frequency attached by ClinVar (database versions not stated): gnomAD exomes 0.06745 and 0.11460; ESP Exome Variant Server 0.07712; gnomAD 0.09199 and 0.09955; TOPMed 0.10867; ExAC 0.11204; 1000 Genomes Project 30x 0.20112; 1000 Genomes Project 0.20647.
gnomAD v4.1: 115,271 of 1,612,144 alleles (7.2%); highest among the groups gnomAD compares: East Asian, 45%; 9,374 homozygotes.

Submissions (3):

Unidad de Genómica Garrahan, Hospital de Pediatría Garrahan
Classification: Benign. Last evaluated: 2024-01-24. Review status: criteria provided, single submitter. Criteria: ACMG Guidelines, 2015. Collection method: clinical testing. Allele origin: germline. Affected: no. Observed: 29 variant alleles.
Comment: This variant is classified as Benign based on local population frequency. This variant was detected in 31% of patients studied by a panel of primary immunodeficiencies. Number of patients: 29. Only high quality variants are reported.

GeneDx
Classification: Benign. Last evaluated: 2018-11-10. Review status: criteria provided, single submitter. Criteria: GeneDx Variant Classification Process June 2021. Collection method: clinical testing. Allele origin: germline. Affected: yes.

Breakthrough Genomics
Classification: Benign. Review status: criteria provided, single submitter. Criteria: ACMG Guidelines, 2015. Collection method: not provided. Allele origin: germline. Inheritance: Autosomal recessive inheritance. Affected: yes.